The following is an entry in ClinVar:

ClinVar aggregate classification (germline): Uncertain significance (1 of 4 stars; one submission).

Allele frequency attached by ClinVar (database versions not stated): gnomAD 0.00001; gnomAD exomes 0.00001; TOPMed 0.00001.
gnomAD v4.1: 20 of 1,613,016 alleles (0.0012%); highest among the groups gnomAD compares: South Asian, 0.0044%; no homozygotes.

Submission:

Labcorp Genetics (formerly Invitae), Labcorp
Classification: Uncertain significance. Last evaluated: 2022-06-09. Review status: criteria provided, single submitter. Criteria: Invitae Variant Classification Sherloc (09022015). Collection method: clinical testing. Allele origin: germline.
Comment: This variant has not been reported in the literature in individuals affected with CAPN1-related conditions. This variant is present in population databases (no rsID available, gnomAD 0.003%). This sequence change replaces arginine, which is basic and polar, with tryptophan, which is neutral and slightly polar, at codon 326 of the CAPN1 protein (p.Arg326Trp). Algorithms developed to predict the effect of missense changes on protein structure and function are either unavailable or do not agree on the potential impact of this missense change (SIFT: "Deleterious"; PolyPhen-2: "Probably Damaging"; Align-GVGD: "Class C0"). In summary, the available evidence is currently insufficient to determine the role of this variant in disease. Therefore, it has been classified as a Variant of Uncertain Significance.

NM_005186.4(CAPN1):c.976C>T (p.Arg326Trp)

Gene: CAPN1 (calpain 1; plus strand). Cytogenetic location: 11q13.1.
Variant type: single nucleotide variant.
Coding change: c.976C>T on transcript NM_005186.4 (MANE Select); coding-DNA position 976, C replaced by T.
Protein change: p.Arg326Trp; replaces arginine 326 with tryptophan.
Molecular consequence: missense variant. On other transcripts: non-coding transcript variant (1).
Genome position (GRCh38, 1-based): chr11:65,188,460, C>T. VCF-style: chr11-65188460-C-T. GRCh37 (hg19) VCF-style: chr11-64955931-C-T.
Other names: c.976C>T, p.Arg326Trp (NM_001198868.2, NM_001198869.2); c.814C>T, p.Arg272Trp (NM_001198870.1); short protein forms R272W, R326W.
Identifiers: ClinVar variation 1932287 (VCV001932287.4), dbSNP rs1398824643, ClinGen allele CA381247771.
Genomic context (GRCh38, chr11:65,188,460, plus strand): 5'-CCTGCTCCTCACAGCTCCTCAGAGTGGAACAACGTGGACCCATATGAACGGGACCAGCTC[C>T]GGGTCAAGATGGAGGACGGGGAGTTCTGGTGAGCGCCCCCTCCCCTTCTACCCCACCTCT-3'
Protein context (NP_005177.2, residues 316-336): NVDPYERDQL[Arg326Trp]VKMEDGEFWM